The following is an entry in ClinVar:

NM_001128159.3(VPS53):c.1702C>T (p.Gln568Ter)

Genes: VPS53 (VPS53 subunit of GARP complex; minus strand), LOC126862456 (CDK7 strongly-dependent group 2 enhancer GRCh37_chr17:463241-464440; plus strand). Cytogenetic location: 17p13.3.
Variant type: single nucleotide variant.
Coding change: c.1702C>T on transcript NM_001128159.3 (MANE Select); coding-DNA position 1702, C replaced by T.
Protein change: p.Gln568Ter; replaces glutamine 568 with a stop codon.
Molecular consequence: nonsense.
Genome position (GRCh38, 1-based): chr17:560,428, G>A on the plus strand (C>T on the coding strand, the complement: VPS53 is on the minus strand). VCF-style: chr17-560428-G-A. GRCh37 (hg19) VCF-style: chr17-463668-G-A.
Other names: c.1702C>T, p.Gln568Ter (NM_001366253.2); c.1108C>T, p.Gln370Ter (NM_001366254.2); c.1615C>T, p.Gln539Ter (NM_018289.4); short protein forms Q370*, Q539*, Q568*.
Identifiers: ClinVar variation 5014227 (VCV005014227.1).

ClinVar aggregate classification (germline): Pathogenic (1 of 4 stars; one submission).

Conditions:
Pontocerebellar hypoplasia type 2E. Identifiers: Orphanet 247198, MedGen C4014488, MONDO:0014370, OMIM 615851.

Submission:

Myriad Genetics, Inc.
Classification: Pathogenic for Pontocerebellar hypoplasia type 2E. Last evaluated: 2025-03-18. Review status: criteria provided, single submitter. Criteria: Myriad Autosomal Dominant, Autosomal Recessive and X-Linked Classification Criteria (2023). Collection method: clinical testing. Allele origin: unknown.
Comment: NM_001128159.2(VPS53):c.1702C>T(Q568*) is expected to be pathogenic in the context of pontocerebellar hypoplasia, VPS53-related. This variant is predicted to lead to an abnormal or absent protein product due to the creation of a premature termination codon in VPS53, a gene where loss-of-function variants are known to be pathogenic. Please note: this variant was assessed in the context of healthy population screening.